The following is an entry in ClinVar:

ClinVar aggregate classification (germline): Uncertain significance. Review status: criteria provided, multiple submitters, no conflicts (2 of 4 stars). 3 submissions from 3 submitters: Uncertain significance (3). Last evaluated 2024-10-17.

Conditions:
Amelocerebrohypohidrotic syndrome (KTZS). Also called: KOHLSCHUTTER SYNDROME; Kohlschutter's syndrome; EPILEPSY AND YELLOW TEETH; EPILEPSY, DEMENTIA, AND AMELOGENESIS IMPERFECTA. Identifiers: Orphanet 1946, MedGen C0406740, MONDO:0009185, OMIM 226750.
Inborn genetic diseases. Identifiers: MedGen C0950123, MeSH D030342.

Allele frequency attached by ClinVar (database versions not stated): gnomAD exomes 0.00001; TOPMed 0.00001; ExAC 0.00004.

Submissions (3):

Labcorp Genetics (formerly Invitae), Labcorp
Classification: Uncertain significance for Amelocerebrohypohidrotic syndrome. Last evaluated: 2024-10-17. Review status: criteria provided, single submitter. Criteria: Invitae Variant Classification Sherloc (09022015). Collection method: clinical testing. Allele origin: germline.
Comment: This sequence change replaces arginine, which is basic and polar, with tryptophan, which is neutral and slightly polar, at codon 93 of the ROGDI protein (p.Arg93Trp). The frequency data for this variant in the population databases is considered unreliable, as metrics indicate poor data quality at this position in the gnomAD database. This variant has not been reported in the literature in individuals affected with ROGDI-related conditions. ClinVar contains an entry for this variant (Variation ID: 1506472). An algorithm developed to predict the effect of missense changes on protein structure and function (PolyPhen-2) suggests that this variant is likely to be disruptive. In summary, the available evidence is currently insufficient to determine the role of this variant in disease. Therefore, it has been classified as a Variant of Uncertain Significance.

Ambry Genetics
Classification: Uncertain significance for Inborn genetic diseases. Last evaluated: 2023-11-07. Review status: criteria provided, single submitter. Criteria: Ambry Variant Classification Scheme 2023. Collection method: clinical testing. Allele origin: germline.

Blueprint Genetics
Classification: Uncertain significance. Last evaluated: 2021-04-27. Review status: criteria provided, single submitter. Criteria: ACMG Guidelines, 2015. Collection method: clinical testing. Allele origin: germline.

NM_024589.3(ROGDI):c.277C>T (p.Arg93Trp)

Gene: ROGDI (rogdi atypical leucine zipper; minus strand). Cytogenetic location: 16p13.3.
Variant type: single nucleotide variant.
Coding change: c.277C>T on transcript NM_024589.3 (MANE Select); coding-DNA position 277, C replaced by T.
Protein change: p.Arg93Trp; replaces arginine 93 with tryptophan.
Molecular consequence: missense variant. On other transcripts: non-coding transcript variant (1).
Genome position (GRCh38, 1-based): chr16:4,800,557, G>A on the plus strand (C>T on the coding strand, the complement: ROGDI is on the minus strand). VCF-style: chr16-4800557-G-A. GRCh37 (hg19) VCF-style: chr16-4850558-G-A.
Other names: c.277C>T (NM_024589.1); short protein forms R93W.
Identifiers: ClinVar variation 1506472 (VCV001506472.7), dbSNP rs780503540, ClinGen allele CA7882808.